The following is an entry in ClinVar:

NM_003954.5(MAP3K14):c.884C>G (p.Pro295Arg)

Gene: MAP3K14 (mitogen-activated protein kinase kinase kinase 14; minus strand). Cytogenetic location: 17q21.31.
Variant type: single nucleotide variant.
Coding change: c.884C>G on transcript NM_003954.5 (MANE Select); coding-DNA position 884, C replaced by G.
Protein change: p.Pro295Arg; replaces proline 295 with arginine.
Molecular consequence: missense variant.
Genome position (GRCh38, 1-based): chr17:45,286,699, G>C on the plus strand (C>G on the coding strand, the complement: MAP3K14 is on the minus strand). VCF-style: chr17-45286699-G-C. GRCh37 (hg19) VCF-style: chr17-43364066-G-C.
Other names: short protein forms P295R.
Identifiers: ClinVar variation 1432077 (VCV001432077.3), dbSNP rs1055681030, ClinGen allele CA291069447.
Genomic context (GRCh38, chr17:45,286,699, plus strand): 5'-CCAGGCAGGGGCTTTGGACTGTCTACACAGGCCAGTTTGCTCAGGTGTGGGTCAGGCAAG[G>C]GTTTCTGGCTGTCTACACAGGCCAGTTTGCCCAGGAAGGACTCCAGAGGGTGAGGTTTCC-3'
Protein context (NP_003945.2, residues 285-305): GKLACVDSQK[Pro295Arg]LPDPHLSKLA

ClinVar aggregate classification (germline): Uncertain significance (1 of 4 stars; one submission).

Conditions:
NIK deficiency. Also called: Primary immunodeficiency with multifaceted aberrant lymphoid immunity. Identifiers: Orphanet 447731, MedGen C5680065, MONDO:0018642.

Allele frequency attached by ClinVar (database versions not stated): gnomAD exomes below 0.00001; gnomAD 0.00001.
gnomAD v4.1: 5 of 1,609,958 alleles (0.00031%); highest among the groups gnomAD compares: Non-Finnish European, 0.00042%; no homozygotes.

Submission:

Labcorp Genetics (formerly Invitae), Labcorp
Classification: Uncertain significance for NIK deficiency. Last evaluated: 2022-08-16. Review status: criteria provided, single submitter. Criteria: Invitae Variant Classification Sherloc (09022015). Collection method: clinical testing. Allele origin: germline.
Comment: This sequence change replaces proline, which is neutral and non-polar, with arginine, which is basic and polar, at codon 295 of the MAP3K14 protein (p.Pro295Arg). This variant is not present in population databases (gnomAD no frequency). This variant has not been reported in the literature in individuals affected with MAP3K14-related conditions. ClinVar contains an entry for this variant (Variation ID: 1432077). Experimental studies and prediction algorithms are not available or were not evaluated, and the functional significance of this variant is currently unknown. In summary, the available evidence is currently insufficient to determine the role of this variant in disease. Therefore, it has been classified as a Variant of Uncertain Significance.